The following is an entry in ClinVar:

ClinVar aggregate classification (germline): Uncertain significance (1 of 4 stars; one submission).

Conditions:
Ataxia-telangiectasia syndrome (AT). Also called: Ataxia-telangiectasia, complementation group D; AT, COMPLEMENTATION GROUP C; ATAXIA-TELANGIECTASIA, COMPLEMENTATION GROUP A; ATAXIA-TELANGIECTASIA, FRESNO VARIANT; Ataxia-telangiectasia, complementation group E; LOUIS-BAR SYNDROME. Identifiers: Orphanet 100, MedGen C0004135, MONDO:0008840, OMIM 208900.

Submission:

Labcorp Genetics (formerly Invitae), Labcorp
Classification: Uncertain significance for Ataxia-telangiectasia syndrome. Last evaluated: 2024-10-12. Review status: criteria provided, single submitter. Criteria: Invitae Variant Classification Sherloc (09022015). Collection method: clinical testing. Allele origin: germline.
Comment: This sequence change replaces isoleucine, which is neutral and non-polar, with lysine, which is basic and polar, at codon 2888 of the ATM protein (p.Ile2888Lys). This variant is not present in population databases (gnomAD no frequency). This variant has not been reported in the literature in individuals affected with ATM-related conditions. ClinVar contains an entry for this variant (Variation ID: 1977521). Invitae Evidence Modeling of protein sequence and biophysical properties (such as structural, functional, and spatial information, amino acid conservation, physicochemical variation, residue mobility, and thermodynamic stability) indicates that this missense variant is expected to disrupt ATM protein function with a positive predictive value of 95%. In summary, the available evidence is currently insufficient to determine the role of this variant in disease. Therefore, it has been classified as a Variant of Uncertain Significance.

NM_000051.4(ATM):c.8663T>A (p.Ile2888Lys)

Genes: ATM (ATM serine/threonine kinase; plus strand), C11orf65 (chromosome 11 open reading frame 65; minus strand). Cytogenetic location: 11q22.3.
Variant type: single nucleotide variant.
Coding change: c.8663T>A on transcript NM_000051.4 (MANE Select); coding-DNA position 8663, T replaced by A.
Protein change: p.Ile2888Lys; replaces isoleucine 2888 with lysine.
Molecular consequence: missense variant. On other transcripts: intron variant (2).
Genome position (GRCh38, 1-based): chr11:108,347,357, T>A. VCF-style: chr11-108347357-T-A. GRCh37 (hg19) VCF-style: chr11-108218084-T-A.
Other names: c.8663T>A, p.Ile2888Lys (NM_001351834.2); c.641-38286A>T (NM_001330368.2); c.695-12065A>T (NM_001351110.2); short protein forms I2888K.
Identifiers: ClinVar variation 1977521 (VCV001977521.5), dbSNP rs760955058, ClinGen allele CA382521253.